The following is an entry in ClinVar:

ClinVar aggregate classification (germline): Likely pathogenic (1 of 4 stars; one submission).

Conditions:
Deficiency of guanidinoacetate methyltransferase (CCDS2). Also called: Guanidinoacetate Methyltransferase (GAMT) Deficiency; CEREBRAL CREATINE DEFICIENCY SYNDROME 2; GAMT DEFICIENCY. Identifiers: Orphanet 382, MedGen C0574080, MONDO:0012999, OMIM 612736.

Submission:

Juno Genomics, Hangzhou Juno Genomics, Inc
Classification: Likely pathogenic for Deficiency of guanidinoacetate methyltransferase. Review status: criteria provided, single submitter. Criteria: ACMG Guidelines, 2015. Collection method: clinical testing. Allele origin: germline.
Comment: Absent from controls (or at extremely low frequency if recessive) in Genome Aggregation Database.;Null variant in a gene where loss of function (LOF) is a known mechanism of disease.

NM_000156.6(GAMT):c.459+2T>G

Gene: GAMT (guanidinoacetate N-methyltransferase; minus strand). Cytogenetic location: 19p13.3.
Variant type: single nucleotide variant.
Coding change: c.459+2T>G on transcript NM_000156.6 (MANE Select); the canonical splice donor site of the intron after coding-DNA position 459, T replaced by G.
Molecular consequence: splice donor variant.
Genome position (GRCh38, 1-based): chr19:1,399,126, A>C on the plus strand (T>G on the coding strand, the complement: GAMT is on the minus strand). VCF-style: chr19-1399126-A-C. GRCh37 (hg19) VCF-style: chr19-1399125-A-C.
Other names: c.459+2T>G (NM_138924.3).
Identifiers: ClinVar variation 5018931 (VCV005018931.2).